The following is an entry in ClinVar:

NM_000264.5(PTCH1):c.2093G>A (p.Ser698Asn)

Genes: PTCH1 (patched 1; minus strand), LOC100507346 (uncharacterized LOC100507346; plus strand). Cytogenetic location: 9q22.32.
Variant type: single nucleotide variant.
Coding change: c.2093G>A on transcript NM_000264.5 (MANE Select); coding-DNA position 2093, G replaced by A.
Protein change: p.Ser698Asn; replaces serine 698 with asparagine.
Molecular consequence: missense variant. On other transcripts: non-coding transcript variant (2).
Genome position (GRCh38, 1-based): chr9:95,468,908, C>T on the plus strand (G>A on the coding strand, the complement: PTCH1 is on the minus strand). VCF-style: chr9-95468908-C-T. GRCh37 (hg19) VCF-style: chr9-98231190-C-T.
Other names: c.1895G>A, p.Ser632Asn (NM_001083602.3); c.2090G>A, p.Ser697Asn (NM_001083603.3); c.1640G>A, p.Ser547Asn (NM_001083604.3, NM_001083605.3, NM_001083606.3 and 1 more transcripts); c.1937G>A, p.Ser646Asn (NM_001354918.2); short protein forms S547N, S632N, S646N, S697N, S698N.
Identifiers: ClinVar variation 3230969 (VCV003230969.4), dbSNP rs763724025, ClinGen allele CA5138449.

ClinVar aggregate classification (germline): Conflicting classifications of pathogenicity. Review status: criteria provided, conflicting classifications (1 of 4 stars). 2 submissions from 2 submitters: Uncertain significance (1); Likely benign (1). Last evaluated 2025-09-26.

Conditions:
Gorlin syndrome. Also called: Nevoid Basal Cell Carcinoma Syndrome; Basal cell nevus syndrome. Identifiers: Orphanet 377, MedGen C0004779, MONDO:0007187.
Hereditary cancer-predisposing syndrome. Also called: Hereditary Cancer Syndrome; Tumor predisposition; Neoplastic Syndromes, Hereditary; Hereditary neoplastic syndrome. Identifiers: Orphanet 140162, MedGen C0027672, MeSH D009386, MONDO:0015356.

Allele frequency attached by ClinVar (database versions not stated): gnomAD exomes below 0.00001; ExAC 0.00001.
gnomAD v4.1: 1 of 1,614,106 alleles (0.000062%); highest among the groups gnomAD compares: Non-Finnish European, 0.000085%; no homozygotes.

Submissions (2):

Ambry Genetics
Classification: Uncertain significance for Hereditary cancer-predisposing syndrome. Last evaluated: 2025-09-26. Review status: criteria provided, single submitter. Criteria: Ambry Variant Classification Scheme 2023. Collection method: clinical testing. Allele origin: germline.
Comment: The p.S698N variant (also known as c.2093G>A), located in coding exon 14 of the PTCH1 gene, results from a G to A substitution at nucleotide position 2093. The serine at codon 698 is replaced by asparagine, an amino acid with highly similar properties. This amino acid position is conserved. In addition, this alteration is predicted to be tolerated by in silico analysis. Since supporting evidence is limited at this time, the clinical significance of this alteration remains unclear.

Labcorp Genetics (formerly Invitae), Labcorp
Classification: Likely benign for Gorlin syndrome. Last evaluated: 2024-10-30. Review status: criteria provided, single submitter. Criteria: Invitae Variant Classification Sherloc (09022015). Collection method: clinical testing. Allele origin: germline.